The following is an entry in ClinVar:

NM_020738.4(KIDINS220):c.958G>A (p.Asp320Asn)

Gene: KIDINS220 (kinase D interacting substrate 220; minus strand). Cytogenetic location: 2p25.1.
Variant type: single nucleotide variant.
Coding change: c.958G>A on transcript NM_020738.4 (MANE Select); coding-DNA position 958, G replaced by A.
Protein change: p.Asp320Asn; replaces aspartic acid 320 with asparagine.
Molecular consequence: missense variant. On other transcripts: non-coding transcript variant (2).
Genome position (GRCh38, 1-based): chr2:8,798,243, C>T on the plus strand (G>A on the coding strand, the complement: KIDINS220 is on the minus strand). VCF-style: chr2-8798243-C-T. GRCh37 (hg19) VCF-style: chr2-8938373-C-T.
Other names: c.961G>A, p.Asp321Asn (NM_001348729.2, NM_001348731.2, NM_001348734.2 and 3 more transcripts); c.958G>A, p.Asp320Asn (NM_001348732.2, NM_001348735.2, NM_001348738.2 and 3 more transcripts); c.832G>A, p.Asp278Asn (NM_001348736.2); c.958G>A (NM_020738.2); short protein forms D278N, D321N, D320N.
Identifiers: ClinVar variation 1353837 (VCV001353837.8), dbSNP rs1444685604, ClinGen allele CA345771282.
Genomic context (GRCh38, chr2:8,798,243, plus strand): 5'-ATAGAAATGCCATTTATACCTTTGTGCATATTTCAGTGTCAGGATTGCACTGTAAGATAT[C>T]TCTCACCATTGTTGCATTTCCTTTCTCAACAGCCCAATACAAAGCAGTTTTATTATCCTA-3'
Protein context (NP_065789.1, residues 310-330): VEKGNATMVR[Asp320Asn]ILQCNPDTEI

ClinVar aggregate classification (germline): Uncertain significance. Review status: criteria provided, multiple submitters, no conflicts (2 of 4 stars). 3 submissions from 3 submitters: Uncertain significance (3). Last evaluated 2025-11-13.

Conditions:
Inborn genetic diseases. Identifiers: MedGen C0950123, MeSH D030342.
KIDINS220-related disorder. Also called: KIDINS220-related condition.

Allele frequency attached by ClinVar (database versions not stated): TOPMed 0.00001.
gnomAD v4.1: 72 of 1,612,594 alleles (0.0045%); highest among the groups gnomAD compares: Non-Finnish European, 0.006%; 1 homozygote.

Submissions (3):

PreventionGenetics, part of Exact Sciences
Classification: Uncertain significance for KIDINS220-related condition. Last evaluated: 2025-11-13. Review status: criteria provided, single submitter. Criteria: ACMG Guidelines, 2015. Collection method: clinical testing. Allele origin: germline.
Comment: The KIDINS220 c.958G>A variant is predicted to result in the amino acid substitution p.Asp320Asn. To our knowledge, this variant has not been reported in the literature or in a large population database (gnomAD), indicating this variant is rare. At this time, the clinical significance of this variant is uncertain due to the absence of conclusive functional and genetic evidence.

Ambry Genetics
Classification: Uncertain significance for Inborn genetic diseases. Last evaluated: 2025-11-02. Review status: criteria provided, single submitter. Criteria: Ambry Variant Classification Scheme 2023. Collection method: clinical testing. Allele origin: germline.

Labcorp Genetics (formerly Invitae), Labcorp
Classification: Uncertain significance. Last evaluated: 2025-02-18. Review status: criteria provided, single submitter. Criteria: Invitae Variant Classification Sherloc (09022015). Collection method: clinical testing. Allele origin: germline.
Comment: This sequence change replaces aspartic acid, which is acidic and polar, with asparagine, which is neutral and polar, at codon 320 of the KIDINS220 protein (p.Asp320Asn). This variant is not present in population databases (gnomAD no frequency). This variant has not been reported in the literature in individuals affected with KIDINS220-related conditions. ClinVar contains an entry for this variant (Variation ID: 1353837). An algorithm developed to predict the effect of missense changes on protein structure and function (PolyPhen-2) suggests that this variant is likely to be disruptive. In summary, the available evidence is currently insufficient to determine the role of this variant in disease. Therefore, it has been classified as a Variant of Uncertain Significance.